The following is an entry in ClinVar:

NM_024757.5(EHMT1):c.2712+2dup

Gene: EHMT1 (euchromatic histone lysine methyltransferase 1; plus strand). Cytogenetic location: 9q34.3.
Variant type: Duplication.
Coding change: c.2712+2dup on transcript NM_024757.5 (MANE Select); the canonical splice donor site of the intron after coding-DNA position 2712, one base duplicated (T; older notation c.2712+2dupT).
Molecular consequence: splice donor variant.
Genome position (GRCh38, 1-based): chr9:137,800,986, T duplicated. VCF-style (leftmost placement, unchanged base first): chr9-137800985-G-GT. GRCh37 (hg19) VCF-style: chr9-140695437-G-GT.
Other names: c.2691+2dup (NM_001354263.2).
Identifiers: ClinVar variation 1498834 (VCV001498834.6), dbSNP rs1564788979, ClinGen allele CA918580785.

ClinVar aggregate classification (germline): Uncertain significance (1 of 4 stars; one submission).

Conditions:
Kleefstra syndrome 1 (KLEFS1). Identifiers: Orphanet 261494, MedGen C0795833, MONDO:0027407, OMIM 610253.

Allele frequency attached by ClinVar (database versions not stated): gnomAD exomes below 0.00001.

Submission:

Labcorp Genetics (formerly Invitae), Labcorp
Classification: Uncertain significance for Kleefstra syndrome 1. Last evaluated: 2025-12-15. Review status: criteria provided, single submitter. Criteria: Invitae Variant Classification Sherloc (09022015). Collection method: clinical testing. Allele origin: germline.
Comment: This sequence change falls in intron 18 of the EHMT1 gene. It does not directly change the encoded amino acid sequence of the EHMT1 protein. It affects a nucleotide within the consensus splice site. This variant is not present in population databases (gnomAD no frequency). This variant has not been reported in the literature in individuals affected with EHMT1-related conditions. ClinVar contains an entry for this variant (Variation ID: 1498834). Variants that disrupt the consensus splice site are a relatively common cause of aberrant splicing (PMID: 17576681, 9536098). Algorithms developed to predict the effect of sequence changes on RNA splicing suggest that this variant may disrupt the consensus splice site. In summary, the available evidence is currently insufficient to determine the role of this variant in disease. Therefore, it has been classified as a Variant of Uncertain Significance.

Literature cited by the submitters: PubMed 17576681; PubMed 9536098.